The following is an entry in ClinVar:

ClinVar aggregate classification (germline): Uncertain significance (1 of 4 stars; one submission).

Submission:

Ambry Genetics
Classification: Uncertain significance. Last evaluated: 2025-09-28. Review status: criteria provided, single submitter. Criteria: Ambry Variant Classification Scheme 2023. Collection method: clinical testing. Allele origin: germline.
Comment: The p.P772L variant (also known as c.2315C>T), located in coding exon 10 of the WNK2 gene, results from a C to T substitution at nucleotide position 2315. The proline at codon 772 is replaced by leucine, an amino acid with similar properties. This amino acid position is conserved. In addition, this alteration is predicted to be tolerated by in silico analysis. Based on the available evidence, the clinical significance of this variant remains unclear.

NM_006648.4(WNK2):c.2315C>T (p.Pro772Leu)

Gene: WNK2 (WNK lysine deficient protein kinase 2; plus strand). Cytogenetic location: 9q22.31.
Variant type: single nucleotide variant.
Coding change: c.2315C>T on transcript NM_006648.4 (MANE Select); coding-DNA position 2315, C replaced by T.
Protein change: p.Pro772Leu; replaces proline 772 with leucine.
Molecular consequence: missense variant.
Genome position (GRCh38, 1-based): chr9:93,257,072, C>T. VCF-style: chr9-93257072-C-T. GRCh37 (hg19) VCF-style: chr9-96019354-C-T.
Other names: c.2315C>T, p.Pro772Leu (NM_001282394.3); short protein forms P772L.
Identifiers: ClinVar variation 4605206 (VCV004605206.1).